The following is an entry in ClinVar:

NM_022765.4(MICAL1):c.1448A>C (p.Tyr483Ser)

Gene: MICAL1 (microtubule associated monooxygenase, calponin and LIM domain containing 1; minus strand). Cytogenetic location: 6q21.
Variant type: single nucleotide variant.
Coding change: c.1448A>C on transcript NM_022765.4 (MANE Select); coding-DNA position 1448, A replaced by C.
Protein change: p.Tyr483Ser; replaces tyrosine 483 with serine.
Molecular consequence: missense variant.
Genome position (GRCh38, 1-based): chr6:109,449,468, T>G on the plus strand (A>C on the coding strand, the complement: MICAL1 is on the minus strand). VCF-style: chr6-109449468-T-G. GRCh37 (hg19) VCF-style: chr6-109770671-T-G.
Other names: c.1190A>C, p.Tyr397Ser (NM_001159291.2); c.1505A>C, p.Tyr502Ser (NM_001286613.2); short protein forms Y483S, Y397S, Y502S.
Identifiers: ClinVar variation 1513370 (VCV001513370.6), dbSNP rs148893072, ClinGen allele CA3953384.

ClinVar aggregate classification (germline): Uncertain significance (1 of 4 stars; one submission).

Allele frequency attached by ClinVar (database versions not stated): gnomAD 0.00010; ESP Exome Variant Server 0.00015.
gnomAD v4.1: 276 of 1,614,078 alleles (0.017%); highest among the groups gnomAD compares: Non-Finnish European, 0.022%; no homozygotes.

Submission:

Labcorp Genetics (formerly Invitae), Labcorp
Classification: Uncertain significance. Last evaluated: 2025-12-10. Review status: criteria provided, single submitter. Criteria: Invitae Variant Classification Sherloc (09022015). Collection method: clinical testing. Allele origin: germline.
Comment: This sequence change replaces tyrosine, which is neutral and polar, with serine, which is neutral and polar, at codon 502 of the MICAL1 protein (p.Tyr502Ser). This variant is present in population databases (rs148893072, gnomAD 0.02%). This variant has not been reported in the literature in individuals affected with MICAL1-related conditions. ClinVar contains an entry for this variant (Variation ID: 1513370). An algorithm developed to predict the effect of missense changes on protein structure and function (PolyPhen-2) suggests that this variant is likely to be disruptive. In summary, the available evidence is currently insufficient to determine the role of this variant in disease. Therefore, it has been classified as a Variant of Uncertain Significance.